The following is an entry in ClinVar:

ClinVar aggregate classification (germline): Likely benign. Review status: criteria provided, multiple submitters, no conflicts (2 of 4 stars). 6 submissions from 6 submitters: Likely benign (6). Last evaluated 2025-12-17.

Conditions:
Familial thoracic aortic aneurysm and aortic dissection (TAAD). Also called: Thoracic aortic aneurysms and dissections. Identifiers: Orphanet 91387, MedGen C4707243, MONDO:0019625.
Aneurysm-osteoarthritis syndrome. Also called: ANEURYSMS-OSTEOARTHRITIS SYNDROME; Loeys-Dietz syndrome, type 1C; SMAD3-Related Loeys-Dietz Syndrome; LOEYS-DIETZ SYNDROME WITH OSTEOARTHRITIS. Identifiers: Orphanet 284984, MedGen C3151087, MONDO:0013426, OMIM 613795.

Allele frequency attached by ClinVar (database versions not stated): gnomAD exomes 0.00004; gnomAD 0.00005 and 0.00006; ExAC 0.00007; TOPMed 0.00011; ESP Exome Variant Server 0.00031.
gnomAD v4.1: 35 of 1,614,092 alleles (0.0022%); highest among the groups gnomAD compares: African/African-American, 0.027%; no homozygotes.

Submissions (6):

Labcorp Genetics (formerly Invitae), Labcorp
Classification: Likely benign for Familial thoracic aortic aneurysm and aortic dissection. Last evaluated: 2025-12-17. Review status: criteria provided, single submitter. Criteria: Invitae Variant Classification Sherloc (09022015). Collection method: clinical testing. Allele origin: germline.

All of Us Research Program, National Institutes of Health
Classification: Likely benign for Aneurysm-osteoarthritis syndrome. Last evaluated: 2023-10-23. Review status: criteria provided, single submitter. Criteria: ACMG Guidelines, 2015. Collection method: clinical testing. Allele origin: germline. Inheritance: Autosomal dominant inheritance. Observed: 4 variant alleles, 4 heterozygotes.
Comment: This study involves interpretation of variants in research participants for the purpose of population health screening. Participant phenotype was not available at the time of variant classification. Additional details can be found in publication PMID: 35346344, PMCID: PMC8962531

CHEO Genetics Diagnostic Laboratory, Children's Hospital of Eastern Ontario
Classification: Likely benign for Familial thoracic aortic aneurysm and aortic dissection. Last evaluated: 2021-11-15. Review status: criteria provided, single submitter. Criteria: ACMG Guidelines, 2015. Collection method: clinical testing. Allele origin: germline.

GeneDx
Classification: Likely benign. Last evaluated: 2020-06-23. Review status: criteria provided, single submitter. Criteria: GeneDx Variant Classification Process June 2021. Collection method: clinical testing. Allele origin: germline. Affected: yes.

Color Diagnostics, LLC DBA Color Health
Classification: Likely benign for Familial thoracic aortic aneurysm and aortic dissection. Last evaluated: 2018-11-08. Review status: criteria provided, single submitter. Criteria: ACMG Guidelines, 2015. Collection method: clinical testing. Allele origin: germline.

Ambry Genetics
Classification: Likely benign for Familial thoracic aortic aneurysm and aortic dissection. Last evaluated: 2017-06-05. Review status: criteria provided, single submitter. Criteria: Ambry Variant Classification Scheme 2023. Collection method: clinical testing. Allele origin: germline.

NM_005902.4(SMAD3):c.510C>T (p.Ile170=)

Gene: SMAD3 (SMAD family member 3; plus strand). Cytogenetic location: 15q22.33.
Variant type: single nucleotide variant.
Coding change: c.510C>T on transcript NM_005902.4 (MANE Select); coding-DNA position 510, C replaced by T.
Protein change: p.Ile170=; no amino-acid change (isoleucine 170 retained).
Molecular consequence: synonymous variant.
Genome position (GRCh38, 1-based): chr15:67,165,362, C>T. VCF-style: chr15-67165362-C-T. GRCh37 (hg19) VCF-style: chr15-67457700-C-T.
Other names: c.195C>T, p.Ile65= (NM_001145102.2); c.378C>T, p.Ile126= (NM_001145103.2).
Identifiers: ClinVar variation 390771 (VCV000390771.20), dbSNP rs375925515, ClinGen allele CA062305.
Genomic context (GRCh38, chr15:67,165,362, plus strand): 5'-CCCCCCACTGGACGACTACAGCCATTCCATCCCCGAAAACACTAACTTCCCCGCAGGCAT[C>T]GAGCCCCAGAGCAATATTCCAGGTAGGCACGTGGGCGGCACAGGCTGGCCTGGGAGGCAG-3'
Protein context (NP_005893.1, residues 160-180): IPENTNFPAG[Ile170=]EPQSNIPETP